The following is an entry in ClinVar:

ClinVar aggregate classification (germline): Uncertain significance (1 of 4 stars; one submission).

Conditions:
Propionic acidemia (PROP). Also called: GLYCINEMIA, KETOTIC; HYPERGLYCINEMIA WITH KETOACIDOSIS AND LEUKOPENIA; KETOTIC HYPERGLYCINEMIA. Identifiers: Orphanet 35, MedGen C0268579, MONDO:0011628, OMIM 606054, HP:0003571.

Allele frequency attached by ClinVar (database versions not stated): TOPMed below 0.00001.
gnomAD v4.1: 1 of 1,609,712 alleles (0.000062%); highest among the groups gnomAD compares: Non-Finnish European, 0.000085%; no homozygotes.

Submission:

Labcorp Genetics (formerly Invitae), Labcorp
Classification: Uncertain significance for Propionic acidemia. Last evaluated: 2022-03-04. Review status: criteria provided, single submitter. Criteria: Invitae Variant Classification Sherloc (09022015). Collection method: clinical testing. Allele origin: germline.
Comment: This sequence change replaces aspartic acid, which is acidic and polar, with histidine, which is basic and polar, at codon 97 of the PCCA protein (p.Asp97His). This variant is not present in population databases (gnomAD no frequency). This variant has not been reported in the literature in individuals affected with PCCA-related conditions. Advanced modeling of protein sequence and biophysical properties (such as structural, functional, and spatial information, amino acid conservation, physicochemical variation, residue mobility, and thermodynamic stability) performed at Invitae indicates that this missense variant is expected to disrupt PCCA protein function. In summary, the available evidence is currently insufficient to determine the role of this variant in disease. Therefore, it has been classified as a Variant of Uncertain Significance.

NM_000282.4(PCCA):c.289G>C (p.Asp97His)

Gene: PCCA (propionyl-CoA carboxylase subunit alpha; plus strand). Cytogenetic location: 13q32.3.
Variant type: single nucleotide variant.
Coding change: c.289G>C on transcript NM_000282.4 (MANE Select); coding-DNA position 289, G replaced by C.
Protein change: p.Asp97His; replaces aspartic acid 97 with histidine.
Molecular consequence: missense variant. On other transcripts: 5 prime UTR variant (3), non-coding transcript variant (5).
Genome position (GRCh38, 1-based): chr13:100,112,050, G>C. VCF-style: chr13-100112050-G-C. GRCh37 (hg19) VCF-style: chr13-100764304-G-C.
Other names: c.211G>C, p.Asp71His (NM_001127692.3, NM_001352607.2, NM_001352608.2); c.289G>C, p.Asp97His (NM_001178004.2, NM_001352605.2, NM_001352606.2 and 1 more transcripts); c.-578G>C (NM_001352610.2, NM_001352611.2, NM_001352612.2); short protein forms D71H, D97H.
Identifiers: ClinVar variation 2105731 (VCV002105731.1), dbSNP rs769123322, ClinGen allele CA388693210.
Genomic context (GRCh38, chr13:100,112,050, plus strand): 5'-TAGGTTATTAGAACTTGCAAGAAGATGGGCATTAAGACAGTTGCCATCCACAGTGATGTT[G>C]ATGCTAGTTCTGTAAGTATATTTTTGCTTTGTTTAAATCAGGACTTAATTTTGGGTCAAG-3'
Protein context (NP_000273.2, residues 87-107): IKTVAIHSDV[Asp97His]ASSVHVKMAD